The following is an entry in ClinVar:

NM_005076.5(CNTN2):c.745A>G (p.Thr249Ala)

Gene: CNTN2 (contactin 2; plus strand). Cytogenetic location: 1q32.1.
Variant type: single nucleotide variant.
Coding change: c.745A>G on transcript NM_005076.5 (MANE Select); coding-DNA position 745, A replaced by G.
Protein change: p.Thr249Ala; replaces threonine 249 with alanine.
Molecular consequence: missense variant. On other transcripts: non-coding transcript variant (1).
Genome position (GRCh38, 1-based): chr1:205,059,630, A>G. VCF-style: chr1-205059630-A-G. GRCh37 (hg19) VCF-style: chr1-205028758-A-G.
Other names: c.745A>G, p.Thr249Ala (NM_001346083.2); short protein forms T249A.
Identifiers: ClinVar variation 569022 (VCV000569022.5), dbSNP rs1191773782, ClinGen allele CA344407537.

ClinVar aggregate classification (germline): Uncertain significance (1 of 4 stars; one submission).

Conditions:
Epilepsy, familial adult myoclonic, 5 (EPEO5). Also called: CORTICAL MYOCLONIC TREMOR WITH EPILEPSY, FAMILIAL, 5. Identifiers: Orphanet 86814, MedGen C3809374, MONDO:0014167, OMIM 615400.

Allele frequency attached by ClinVar (database versions not stated): gnomAD exomes below 0.00001; TOPMed 0.00001.
gnomAD v4.1: 6 of 1,613,994 alleles (0.00037%); highest among the groups gnomAD compares: Non-Finnish European, 0.00051%; no homozygotes.

Submission:

Labcorp Genetics (formerly Invitae), Labcorp
Classification: Uncertain significance for Epilepsy, familial adult myoclonic, 5. Last evaluated: 2025-02-24. Review status: criteria provided, single submitter. Criteria: Invitae Variant Classification Sherloc (09022015). Collection method: clinical testing. Allele origin: germline.
Comment: This sequence change replaces threonine, which is neutral and polar, with alanine, which is neutral and non-polar, at codon 249 of the CNTN2 protein (p.Thr249Ala). This variant is present in population databases (no rsID available, gnomAD 0.0009%). This variant has not been reported in the literature in individuals affected with CNTN2-related conditions. ClinVar contains an entry for this variant (Variation ID: 569022). Invitae Evidence Modeling of protein sequence and biophysical properties (such as structural, functional, and spatial information, amino acid conservation, physicochemical variation, residue mobility, and thermodynamic stability) indicates that this missense variant is not expected to disrupt CNTN2 protein function with a negative predictive value of 95%. In summary, the available evidence is currently insufficient to determine the role of this variant in disease. Therefore, it has been classified as a Variant of Uncertain Significance.